The following is an entry in ClinVar:

ClinVar aggregate classification (germline): Conflicting classifications of pathogenicity. Review status: criteria provided, conflicting classifications (1 of 4 stars). 3 submissions from 3 submitters: Uncertain significance (2); Likely benign (1). Last evaluated 2026-02-04.

Conditions:
Familial thoracic aortic aneurysm and aortic dissection (TAAD). Also called: Thoracic aortic aneurysms and dissections. Identifiers: Orphanet 91387, MedGen C4707243, MONDO:0019625.
Congenital contractural arachnodactyly (CCA). Also called: BEALS SYNDROME; Arthrogryposis, distal, type 9; Beals-Hecht syndrome. Identifiers: Orphanet 115, MedGen C0220668, MONDO:0007363, OMIM 121050.

Allele frequency attached by ClinVar (database versions not stated): gnomAD exomes 0.00001; ExAC 0.00004; TOPMed 0.00004.
gnomAD v4.1: 7 of 1,613,830 alleles (0.00043%); highest among the groups gnomAD compares: Admixed American, 0.012%; no homozygotes.

Submissions (3):

Labcorp Genetics (formerly Invitae), Labcorp
Classification: Likely benign for Congenital contractural arachnodactyly. Last evaluated: 2026-02-04. Review status: criteria provided, single submitter. Criteria: Invitae Variant Classification Sherloc (09022015). Collection method: clinical testing. Allele origin: germline.

Ambry Genetics
Classification: Uncertain significance for Familial thoracic aortic aneurysm and aortic dissection. Last evaluated: 2025-04-23. Review status: criteria provided, single submitter. Criteria: Ambry Variant Classification Scheme 2023. Collection method: clinical testing. Allele origin: germline.
Comment: The p.E2613K variant (also known as c.7837G>A), located in coding exon 61 of the FBN2 gene, results from a G to A substitution at nucleotide position 7837. The glutamic acid at codon 2613 is replaced by lysine, an amino acid with similar properties. This amino acid position is well conserved in available vertebrate species. In addition, the in silico prediction for this alteration is inconclusive. Based on the available evidence, the clinical significance of this variant remains unclear.

GeneDx
Classification: Uncertain significance. Last evaluated: 2023-05-23. Review status: criteria provided, single submitter. Criteria: GeneDx Variant Classification Process June 2021. Collection method: clinical testing. Allele origin: germline. Affected: yes.
Comment: In silico analysis supports that this missense variant does not alter protein structure/function; Although located in a calcium-binding EGF-like domain of the FBN2 gene, it does not substitute or introduce a cysteine residue (Callewaert et al., 2009; Frederic et al., 2009); Has not been previously published as pathogenic or benign to our knowledge

NM_001999.4(FBN2):c.7837G>A (p.Glu2613Lys)

Gene: FBN2 (fibrillin 2; minus strand). Cytogenetic location: 5q23.3.
Variant type: single nucleotide variant.
Coding change: c.7837G>A on transcript NM_001999.4 (MANE Select); coding-DNA position 7837, G replaced by A.
Protein change: p.Glu2613Lys; replaces glutamic acid 2613 with lysine.
Molecular consequence: missense variant.
Genome position (GRCh38, 1-based): chr5:128,273,843, C>T on the plus strand (G>A on the coding strand, the complement: FBN2 is on the minus strand). VCF-style: chr5-128273843-C-T. GRCh37 (hg19) VCF-style: chr5-127609535-C-T.
Other names: c.7837G>A (NM_001999.3); short protein forms E2613K.
Identifiers: ClinVar variation 2884607 (VCV002884607.5), dbSNP rs770800096, ClinGen allele CA3394007.